The following is an entry in ClinVar:

NM_002047.4(GARS1):c.1162C>T (p.Arg388Trp)

Gene: GARS1 (glycyl-tRNA synthetase 1; plus strand). Cytogenetic location: 7p14.3.
Variant type: single nucleotide variant.
Coding change: c.1162C>T on transcript NM_002047.4 (MANE Select); coding-DNA position 1162, C replaced by T.
Protein change: p.Arg388Trp; replaces arginine 388 with tryptophan.
Molecular consequence: missense variant.
Genome position (GRCh38, 1-based): chr7:30,616,026, C>T. VCF-style: chr7-30616026-C-T. GRCh37 (hg19) VCF-style: chr7-30655642-C-T.
Other names: c.1162C>T (LRG_243t1); c.1000C>T, p.Arg334Trp (NM_001316772.1); short protein forms R388W, R334W.
Identifiers: ClinVar variation 585898 (VCV000585898.10), dbSNP rs759277467, ClinGen allele CA4205904.

ClinVar aggregate classification (germline): Uncertain significance. Review status: criteria provided, multiple submitters, no conflicts (2 of 4 stars). 4 submissions from 4 submitters: Uncertain significance (4). Last evaluated 2024-09-22.

Conditions:
Spinal muscular atrophy, infantile, James type. Also called: GARS1 Infantile-Onset Spinal Muscular Atrophy (GARS1-iSMA). Identifiers: MedGen C5436669, MONDO:0033621, OMIM 619042.
Charcot-Marie-Tooth disease type 2. Also called: Charcot-Marie-Tooth type 2. Identifiers: Orphanet 64746, MedGen C0270914, MONDO:0018993.

gnomAD v4.1: 29 of 1,614,130 alleles (0.0018%); highest among the groups gnomAD compares: South Asian, 0.0033%; no homozygotes.

Submissions (4):

Genomic Medicine Center of Excellence, King Faisal Specialist Hospital and Research Centre
Classification: Uncertain significance for Spinal muscular atrophy, infantile, James type. Last evaluated: 2024-09-22. Review status: criteria provided, single submitter. Criteria: ACMG Guidelines, 2015. Collection method: clinical testing. Allele origin: germline.

Ambry Genetics
Classification: Uncertain significance. Last evaluated: 2024-05-08. Review status: criteria provided, single submitter. Criteria: Ambry Variant Classification Scheme 2023. Collection method: clinical testing. Allele origin: germline.

Labcorp Genetics (formerly Invitae), Labcorp
Classification: Uncertain significance for Charcot-Marie-Tooth disease type 2. Last evaluated: 2021-09-16. Review status: criteria provided, single submitter. Criteria: Invitae Variant Classification Sherloc (09022015). Collection method: clinical testing. Allele origin: germline.
Comment: This sequence change replaces arginine with tryptophan at codon 388 of the GARS protein (p.Arg388Trp). The arginine residue is weakly conserved and there is a moderate physicochemical difference between arginine and tryptophan. This variant is present in population databases (rs759277467, ExAC 0.009%). This missense change has been observed in individual(s) with clinical suspicion of Charcot-Marie-Tooth disease (PMID: 25614874). ClinVar contains an entry for this variant (Variation ID: 585898). Algorithms developed to predict the effect of missense changes on protein structure and function are either unavailable or do not agree on the potential impact of this missense change (SIFT: "Deleterious"; PolyPhen-2: "Possibly Damaging"; Align-GVGD: "Class C0"). In summary, the available evidence is currently insufficient to determine the role of this variant in disease. Therefore, it has been classified as a Variant of Uncertain Significance.

Athena Diagnostics
Classification: Uncertain significance. Last evaluated: 2018-05-16. Review status: criteria provided, single submitter. Criteria: Athena Diagnostics Criteria. Collection method: clinical testing. Allele origin: germline.

Literature cited by the submitters: PubMed 25614874 (cited by Labcorp Genetics (formerly Invitae), Labcorp and Athena Diagnostics).